The following is an entry in ClinVar:

ClinVar aggregate classification (germline): Uncertain significance (1 of 4 stars; one submission).

Conditions:
Fanconi anemia (FA). Also called: Fanconi's anemia. Identifiers: Orphanet 84, MedGen C0015625, MeSH D005199, MONDO:0019391.

gnomAD v4.1: 1 of 1,614,008 alleles (0.000062%); highest among the groups gnomAD compares: East Asian, 0.0022%; no homozygotes.

Submission:

Labcorp Genetics (formerly Invitae), Labcorp
Classification: Uncertain significance for Fanconi anemia. Last evaluated: 2021-08-27. Review status: criteria provided, single submitter. Criteria: Invitae Variant Classification Sherloc (09022015). Collection method: clinical testing. Allele origin: germline.
Comment: This sequence change replaces glycine with valine at codon 688 of the FANCI protein (p.Gly688Val). The glycine residue is weakly conserved and there is a moderate physicochemical difference between glycine and valine. This variant is not present in population databases (ExAC no frequency). This variant has not been reported in the literature in individuals affected with FANCI-related conditions. Algorithms developed to predict the effect of missense changes on protein structure and function (SIFT, PolyPhen-2, Align-GVGD) all suggest that this variant is likely to be tolerated. Algorithms developed to predict the effect of sequence changes on RNA splicing suggest that this variant may create or strengthen a splice site. In summary, the available evidence is currently insufficient to determine the role of this variant in disease. Therefore, it has been classified as a Variant of Uncertain Significance.

NM_001113378.2(FANCI):c.2063G>T (p.Gly688Val)

Gene: FANCI (FA complementation group I; plus strand). Cytogenetic location: 15q26.1.
Variant type: single nucleotide variant.
Coding change: c.2063G>T on transcript NM_001113378.2 (MANE Select); coding-DNA position 2063, G replaced by T.
Protein change: p.Gly688Val; replaces glycine 688 with valine.
Molecular consequence: missense variant.
Genome position (GRCh38, 1-based): chr15:89,292,758, G>T. VCF-style: chr15-89292758-G-T. GRCh37 (hg19) VCF-style: chr15-89835989-G-T.
Other names: c.1784G>T, p.Gly595Val (NM_001376910.1); c.2063G>T, p.Gly688Val (NM_001376911.1, NM_018193.3); short protein forms G688V, G595V.
Identifiers: ClinVar variation 456202 (VCV000456202.6), dbSNP rs778157971, ClinGen allele CA393749003.